The following is an entry in ClinVar:

ClinVar aggregate classification (germline): Benign. Review status: criteria provided, multiple submitters, no conflicts (2 of 4 stars). 4 submissions from 4 submitters: Benign (2). 2 of the submissions do not count toward it. Last evaluated 2018-01-13.

Conditions:
Occult macular dystrophy (OCMD). Also called: OMD; OCCULT MACULAR DYSTROPHY, SUSCEPTIBILITY TO. Identifiers: Orphanet 247834, MedGen C3150833, MONDO:0013316, OMIM 613587, HP:0030636.

Allele frequency attached by ClinVar (database versions not stated): ESP Exome Variant Server 0.00667; TOPMed 0.00844; 1000 Genomes Project 30x 0.01124.
gnomAD v4.1: 2,297 of 1,604,708 alleles (0.14%); highest among the groups gnomAD compares: African/African-American, 2.8%; 31 homozygotes.

Submissions (4):

Illumina Laboratory Services, Illumina
Classification: Benign for Occult macular dystrophy. Last evaluated: 2018-01-13. Review status: criteria provided, single submitter. Criteria: ICSL Variant Classification Criteria 13 December 2019. Collection method: clinical testing. Allele origin: germline.
Comment: This variant was observed in the ICSL laboratory as part of a predisposition screen in an ostensibly healthy population. It had not been previously curated by ICSL or reported in the Human Gene Mutation Database (HGMD: prior to June 1st, 2018), and was therefore a candidate for classification through an automated scoring system. Utilizing variant allele frequency, disease prevalence and penetrance estimates, and inheritance mode, an automated score was calculated to assess if this variant is too frequent to cause the disease. Based on the score and internal cut-off values, a variant classified as benign is not then subjected to further curation. The score for this variant resulted in a classification of benign for this disease.

Breakthrough Genomics
Classification: Benign. Review status: criteria provided, single submitter. Criteria: ACMG Guidelines, 2015. Collection method: not provided. Allele origin: germline. Inheritance: Autosomal recessive inheritance. Affected: yes.

Clinical Genetics DNA and cytogenetics Diagnostics Lab, Erasmus MC, Erasmus Medical Center
Classification: Benign. Review status: no assertion criteria provided. Collection method: clinical testing. Allele origin: germline. Affected: yes. Study: VKGL Data-share Consensus. Not counted in ClinVar's aggregate classification.

Clinical Genetics, Academic Medical Center
Classification: Benign. Review status: no assertion criteria provided. Collection method: clinical testing. Allele origin: germline. Affected: yes. Study: VKGL Data-share Consensus. Not counted in ClinVar's aggregate classification.

NM_178857.6(RP1L1):c.1386C>T (p.Pro462=)

Gene: RP1L1 (RP1 like 1). Cytogenetic location: 8p23.1.
Variant type: single nucleotide variant.
Coding change: c.1386C>T on transcript NM_178857.6 (MANE Select); coding-DNA position 1386, C replaced by T.
Protein change: p.Pro462=; no amino-acid change (proline 462 retained).
Molecular consequence: synonymous variant.
Genome position (GRCh38, 1-based): chr8:10,612,712, G>A on the plus strand (C>T on the coding strand, the complement: RP1L1 is on the minus strand). VCF-style: chr8-10612712-G-A. GRCh37 (hg19) VCF-style: chr8-10470222-G-A.
Identifiers: ClinVar variation 908692 (VCV000908692.8), dbSNP rs75355484, ClinGen allele CA4625195.